The following is an entry in ClinVar:

NM_020975.6(RET):c.1567A>C (p.Lys523Gln)

Gene: RET (ret proto-oncogene; plus strand). Cytogenetic location: 10q11.21.
Variant type: single nucleotide variant.
Coding change: c.1567A>C on transcript NM_020975.6 (MANE Select); coding-DNA position 1567, A replaced by C.
Protein change: p.Lys523Gln; replaces lysine 523 with glutamine.
Molecular consequence: missense variant.
Genome position (GRCh38, 1-based): chr10:43,112,143, A>C. VCF-style: chr10-43112143-A-C. GRCh37 (hg19) VCF-style: chr10-43607591-A-C.
Other names: c.1567A>C, p.Lys523Gln (NM_000323.2, NM_001406743.1, NM_001406744.1 and 6 more transcripts); c.805A>C, p.Lys269Gln (NM_001355216.2); c.1438A>C, p.Lys480Gln (NM_001406761.1, NM_001406762.1, NM_001406764.1 and 1 more transcripts); c.1279A>C, p.Lys427Gln (NM_001406766.1, NM_001406767.1, NM_001406770.1); c.1171A>C, p.Lys391Gln (NM_001406769.1, NM_001406772.1); c.1129A>C, p.Lys377Gln (NM_001406771.1, NM_001406773.1); c.1042A>C, p.Lys348Gln (NM_001406774.1); c.841A>C, p.Lys281Gln (NM_001406775.1, NM_001406776.1, NM_001406777.1 and 1 more transcripts); and 5 more; short protein forms K523Q, K269Q, K181Q, K224Q, K377Q, K391Q, K427Q, K40Q.
Identifiers: ClinVar variation 477319 (VCV000477319.17), dbSNP rs766278774, ClinGen allele CA034418.

ClinVar aggregate classification (germline): Uncertain significance. Review status: criteria provided, multiple submitters, no conflicts (2 of 4 stars). 7 submissions from 7 submitters: Uncertain significance (7). Last evaluated 2025-12-20.

Conditions:
Hereditary cancer-predisposing syndrome. Also called: Neoplastic Syndromes, Hereditary; Hereditary Cancer Syndrome; Hereditary neoplastic syndrome; Tumor predisposition. Identifiers: Orphanet 140162, MedGen C0027672, MeSH D009386, MONDO:0015356.
Multiple endocrine neoplasia type 2A. Also called: MULTIPLE ENDOCRINE NEOPLASIA, TYPE IIA; PTC SYNDROME; SIPPLE SYNDROME; MEN 2A; MEN-2A syndrome; Pheochromocytoma and amyloid producing medullary thyroid carcinoma. Identifiers: Orphanet 247698, Orphanet 653, MedGen C0025268, MeSH D018813, MONDO:0008234, OMIM 171400.
Multiple endocrine neoplasia, type 2 (MEN2). Identifiers: Orphanet 653, MedGen C4048306, MONDO:0019003. Disease mechanism: gain of function.
Hirschsprung disease, susceptibility to, 1 (HSCR1). Also called: RET-Related Hirschsprung Disease. Identifiers: Orphanet 388, MedGen C3888239, MONDO:0007723, OMIM 142623.

Allele frequency attached by ClinVar (database versions not stated): ExAC below 0.00001; TOPMed below 0.00001.
gnomAD v4.1: 8 of 1,598,294 alleles (0.0005%); highest among the groups gnomAD compares: Non-Finnish European, 0.00043%; no homozygotes.

Submissions (7):

Labcorp Genetics (formerly Invitae), Labcorp
Classification: Uncertain significance for Multiple endocrine neoplasia, type 2. Last evaluated: 2025-12-20. Review status: criteria provided, single submitter. Criteria: Invitae Variant Classification Sherloc (09022015). Collection method: clinical testing. Allele origin: germline.
Comment: This sequence change replaces lysine, which is basic and polar, with glutamine, which is neutral and polar, at codon 523 of the RET protein (p.Lys523Gln). This variant is not present in population databases (gnomAD no frequency). This variant has not been reported in the literature in individuals affected with RET-related conditions. ClinVar contains an entry for this variant (Variation ID: 477319). An algorithm developed to predict the effect of missense changes on protein structure and function (PolyPhen-2) suggests that this variant is likely to be disruptive. In summary, the available evidence is currently insufficient to determine the role of this variant in disease. Therefore, it has been classified as a Variant of Uncertain Significance.

Color Diagnostics, LLC DBA Color Health
Classification: Uncertain significance for Multiple endocrine neoplasia, type 2. Last evaluated: 2025-11-10. Review status: criteria provided, single submitter. Criteria: ACMG Guidelines, 2015. Collection method: clinical testing. Allele origin: germline.
Comment: This missense variant replaces lysine with glutamine at codon 523 of the RET protein. Computational prediction suggests that this variant may not impact protein structure and function. To our knowledge, functional studies have not been reported for this variant. This variant has not been reported in individuals affected with RET-related disorders in the literature. This variant has not been identified in the general population by the Genome Aggregation Database (gnomAD). The available evidence is insufficient to determine the role of this variant in disease conclusively. Therefore, this variant is classified as a Variant of Uncertain Significance.

Ambry Genetics
Classification: Uncertain significance for Hereditary cancer-predisposing syndrome. Last evaluated: 2025-01-27. Review status: criteria provided, single submitter. Criteria: Ambry Variant Classification Scheme 2023. Collection method: clinical testing. Allele origin: germline.
Comment: The p.K523Q variant (also known as c.1567A>C), located in coding exon 8 of the RET gene, results from an A to C substitution at nucleotide position 1567. The lysine at codon 523 is replaced by glutamine, an amino acid with similar properties. In addition, the in silico prediction for this alteration is inconclusive. Since supporting evidence is limited at this time, the clinical significance of this alteration remains unclear.

All of Us Research Program, National Institutes of Health
Classification: Uncertain significance for Multiple endocrine neoplasia, type 2. Last evaluated: 2023-12-18. Review status: criteria provided, single submitter. Criteria: ACMG Guidelines, 2015. Collection method: clinical testing. Allele origin: germline. Inheritance: Autosomal dominant inheritance. Observed: 1 variant allele, 1 heterozygote.
Comment: This missense variant replaces lysine with glutamine at codon 523 of the RET protein. Computational prediction suggests that this variant may not impact protein structure and function (internally defined REVEL score threshold <= 0.5, PMID: 27666373). To our knowledge, functional studies have not been reported for this variant. This variant has not been reported in individuals affected with RET-related disorders in the literature. This variant has not been identified in the general population by the Genome Aggregation Database (gnomAD). The available evidence is insufficient to determine the role of this variant in disease conclusively. Therefore, this variant is classified as a Variant of Uncertain Significance.

This study involves interpretation of variants in research participants for the purpose of population health screening. Participant phenotype was not available at the time of variant classification. Additional details can be found in publication PMID: 35346344, PMCID: PMC8962531

Quest Diagnostics Nichols Institute San Juan Capistrano
Classification: Uncertain significance. Last evaluated: 2023-12-05. Review status: criteria provided, single submitter. Criteria: Quest Diagnostics criteria. Collection method: clinical testing. Allele origin: unknown.

Baylor Genetics
Classification: Uncertain significance for Hirschsprung disease, susceptibility to, 1. Last evaluated: 2023-10-20. Review status: criteria provided, single submitter. Criteria: ACMG Guidelines, 2015. Collection method: clinical testing. Allele origin: unknown.

Mendelics
Classification: Uncertain significance for Multiple endocrine neoplasia, type 2a. Last evaluated: 2018-07-02. Review status: criteria provided, single submitter. Criteria: Mendelics Assertion Criteria 2017. Collection method: clinical testing. Allele origin: unknown.